The following is an entry in ClinVar:

NM_000634.3(CXCR1):c.838C>T (p.Arg280Cys)

Gene: CXCR1 (C-X-C motif chemokine receptor 1; minus strand). Cytogenetic location: 2q35.
Variant type: single nucleotide variant.
Coding change: c.838C>T on transcript NM_000634.3 (MANE Select); coding-DNA position 838, C replaced by T.
Protein change: p.Arg280Cys; replaces arginine 280 with cysteine.
Molecular consequence: missense variant.
Genome position (GRCh38, 1-based): chr2:218,164,374, G>A on the plus strand (C>T on the coding strand, the complement: CXCR1 is on the minus strand). VCF-style: chr2-218164374-G-A. GRCh37 (hg19) VCF-style: chr2-219029097-G-A.
Other names: short protein forms R280C.
Identifiers: ClinVar variation 2500018 (VCV002500018.1), dbSNP rs61755739, ClinGen allele CA2101927.

ClinVar aggregate classification (germline): Uncertain significance (1 of 4 stars; one submission).

Conditions:
Susceptibility to HIV infection. Also called: HUMAN IMMUNODEFICIENCY VIRUS TYPE 1, RESISTANCE TO; Human immunodeficiency virus type 1, susceptibility to; HIV-1, SUSCEPTIBILITY TO. Identifiers: MedGen C1836230, MONDO:0004951, OMIM 609423.

Allele frequency attached by ClinVar (database versions not stated): 1000 Genomes Project 30x 0.00016; gnomAD 0.00019; 1000 Genomes Project 0.00020; ExAC 0.00020; TOPMed 0.00020; gnomAD exomes 0.00025.

Submission:

Center for Genomics, Ann and Robert H. Lurie Children's Hospital of Chicago
Classification: Uncertain significance for Susceptibility to HIV infection. Last evaluated: 2021-03-30. Review status: criteria provided, single submitter. Criteria: ACMG Guidelines, 2015. Collection method: clinical testing. Allele origin: germline.
Comment: CXCR1 NM_000634.2 exon 2 p.Arg280Cys (c.838C>T): This variant has not been reported in the literature but is present in 0.02% (38/128626) of European alleles in the Genome Aggregation Database. Evolutionary conservation and computational predictive tools suggest that this variant may impact the protein. In summary, data on this variant is insufficient for disease classification. Therefore, the clinical significance of this variant is uncertain.